The following is an entry in ClinVar:

ClinVar aggregate classification (germline): Conflicting classifications of pathogenicity. Review status: criteria provided, conflicting classifications (1 of 4 stars). 4 submissions from 4 submitters: Uncertain significance (1); Likely benign (2). 1 of the submissions does not count toward it. Last evaluated 2025-02-18.

Conditions:
Mendelian susceptibility to mycobacterial diseases due to partial STAT1 deficiency. Also called: IMMUNODEFICIENCY 31A, MYCOBACTERIOSIS, AUTOSOMAL DOMINANT; STAT1 DEFICIENCY, AUTOSOMAL DOMINANT; Immunodeficiency 31a. Identifiers: Orphanet 319595, MedGen C4013950, MONDO:0013956, OMIM 614892.
Autoimmune enteropathy and endocrinopathy - susceptibility to chronic infections syndrome. Also called: Immunodeficiency 31C, autosomal dominant; Immunodeficiency 31C. Identifiers: Orphanet 391487, MedGen C3279990, MONDO:0013599, OMIM 614162.
Immunodeficiency 31B. Also called: IMMUNODEFICIENCY 31B, MYCOBACTERIAL AND VIRAL INFECTIONS, AUTOSOMAL RECESSIVE; STAT1 DEFICIENCY, AUTOSOMAL RECESSIVE. Identifiers: Orphanet 391311, MedGen C3151088, MONDO:0013427, OMIM 613796.
STAT1-related disorder. Also called: STAT1-related condition.

Allele frequency attached by ClinVar (database versions not stated): ESP Exome Variant Server 0.00023; gnomAD 0.00003; gnomAD exomes 0.00003 and 0.00004; ExAC 0.00004; TOPMed 0.00005.

Submissions (4):

Labcorp Genetics (formerly Invitae), Labcorp
Classification: Likely benign for Mendelian susceptibility to mycobacterial diseases due to partial STAT1 deficiency; Immunodeficiency 31B; Autoimmune enteropathy and endocrinopathy - susceptibility to chronic infections syndrome. Last evaluated: 2025-02-18. Review status: criteria provided, single submitter. Criteria: Invitae Variant Classification Sherloc (09022015). Collection method: clinical testing. Allele origin: germline.

Blueprint Genetics
Classification: Likely benign. Last evaluated: 2024-10-02. Review status: criteria provided, single submitter. Criteria: ACMG Guidelines, 2015. Collection method: clinical testing. Allele origin: germline.

Illumina Laboratory Services, Illumina
Classification: Uncertain significance for Mendelian susceptibility to mycobacterial diseases due to partial STAT1 deficiency. Last evaluated: 2017-04-27. Review status: criteria provided, single submitter. Criteria: ICSL Variant Classification Criteria 13 December 2019. Collection method: clinical testing. Allele origin: germline.

PreventionGenetics, part of Exact Sciences
Classification: Likely benign for STAT1-related condition. Last evaluated: 2019-03-04. Review status: no assertion criteria provided. Collection method: clinical testing. Allele origin: germline. Not counted in ClinVar's aggregate classification.
Comment: This variant is classified as likely benign based on ACMG/AMP sequence variant interpretation guidelines (Richards et al. 2015 PMID: 25741868, with internal and published modifications).

NM_007315.4(STAT1):c.201A>G (p.Gln67=)

Gene: STAT1 (signal transducer and activator of transcription 1; minus strand). Cytogenetic location: 2q32.2.
Variant type: single nucleotide variant.
Coding change: c.201A>G on transcript NM_007315.4 (MANE Select); coding-DNA position 201, A replaced by G.
Protein change: p.Gln67=; no amino-acid change (glutamine 67 retained).
Molecular consequence: synonymous variant.
Genome position (GRCh38, 1-based): chr2:191,009,035, T>C on the plus strand (A>G on the coding strand, the complement: STAT1 is on the minus strand). VCF-style: chr2-191009035-T-C. GRCh37 (hg19) VCF-style: chr2-191873761-T-C.
Other names: c.201A>G, p.Gln67= (NM_001384880.1, NM_001384882.1, NM_001384883.1 and 7 more transcripts); c.207A>G, p.Gln69= (NM_001384881.1, NM_001384884.1); c.237A>G, p.Gln79= (NM_001384891.1).
Identifiers: ClinVar variation 712811 (VCV000712811.15), dbSNP rs148148052, ClinGen allele CA2030308.
Genomic context (GRCh38, chr2:191,009,035, plus strand): 5'-CTTGCTTTTCCTTATGTTATGCTGTAGCAAGAAGTTATTCTCCAAAGAAAAGCGACTATA[T>C]TGATCATCCAGCTGTGACAGGAGGTCATGAAAACGGATGGTGGCAAATGAAACATCATTG-3'
Protein context (NP_009330.1, residues 57-77): FHDLLSQLDD[Gln67=]YSRFSLENNF